The following is an entry in ClinVar:

NM_053025.4(MYLK):c.1883G>A (p.Gly628Asp)

Gene: MYLK (myosin light chain kinase; minus strand). Cytogenetic location: 3q21.1.
Variant type: single nucleotide variant.
Coding change: c.1883G>A on transcript NM_053025.4 (MANE Select); coding-DNA position 1883, G replaced by A.
Protein change: p.Gly628Asp; replaces glycine 628 with aspartic acid.
Molecular consequence: missense variant.
Genome position (GRCh38, 1-based): chr3:123,709,815, C>T on the plus strand (G>A on the coding strand, the complement: MYLK is on the minus strand). VCF-style: chr3-123709815-C-T. GRCh37 (hg19) VCF-style: chr3-123428662-C-T.
Other names: c.1355G>A, p.Gly452Asp (NM_001321309.2); c.1676G>A, p.Gly559Asp (NM_053026.4, NM_053028.4); c.1883G>A, p.Gly628Asp (NM_053027.4); short protein forms G452D, G559D, G628D.
Identifiers: ClinVar variation 3915763 (VCV003915763.2).
Genomic context (GRCh38, chr3:123,709,815, plus strand): 5'-CCTGACACTTGGACAGTCATAGTGACCTGGCTTCCATCCATGACTTTGAGATCAGAGAGG[C>T]CCTGCAGGAAGATGGGTGCAGTGGGCTTGCTGGGAGCCACAGGCAGAAGGTACTCACTCT-3'
Protein context (NP_444253.3, residues 618-638): SKPTAPIFLQ[Gly628Asp]LSDLKVMDGS

ClinVar aggregate classification (germline): Uncertain significance. Review status: criteria provided, multiple submitters, no conflicts (2 of 4 stars). 2 submissions from 2 submitters: Uncertain significance (2). Last evaluated 2025-11-12.

Conditions:
Familial thoracic aortic aneurysm and aortic dissection (TAAD). Also called: Thoracic aortic aneurysms and dissections. Identifiers: Orphanet 91387, MedGen C4707243, MONDO:0019625.
Aortic aneurysm, familial thoracic 7 (AAT7). Also called: AORTIC DISSECTION, FAMILIAL, WITH OR WITHOUT AORTIC ANEURYSM. Identifiers: MedGen C3151077, MONDO:0013418, OMIM 613780.

gnomAD v4.1: 10 of 1,614,180 alleles (0.00062%); highest among the groups gnomAD compares: Non-Finnish European, 0.00085%; no homozygotes.

Submissions (2):

Labcorp Genetics (formerly Invitae), Labcorp
Classification: Uncertain significance for Aortic aneurysm, familial thoracic 7. Last evaluated: 2025-11-12. Review status: criteria provided, single submitter. Criteria: Invitae Variant Classification Sherloc (09022015). Collection method: clinical testing. Allele origin: germline.
Comment: This sequence change replaces glycine, which is neutral and non-polar, with aspartic acid, which is acidic and polar, at codon 628 of the MYLK protein (p.Gly628Asp). This variant is present in population databases (no rsID available, gnomAD 0.0009%). This variant has not been reported in the literature in individuals affected with MYLK-related conditions. ClinVar contains an entry for this variant (Variation ID: 3915763). Invitae Evidence Modeling of protein sequence and biophysical properties (such as structural, functional, and spatial information, amino acid conservation, physicochemical variation, residue mobility, and thermodynamic stability) indicates that this missense variant is not expected to disrupt MYLK protein function with a negative predictive value of 80%. In summary, the available evidence is currently insufficient to determine the role of this variant in disease. Therefore, it has been classified as a Variant of Uncertain Significance.

Ambry Genetics
Classification: Uncertain significance for Familial thoracic aortic aneurysm and aortic dissection. Last evaluated: 2025-04-23. Review status: criteria provided, single submitter. Criteria: Ambry Variant Classification Scheme 2023. Collection method: clinical testing. Allele origin: germline.
Comment: The p.G628D variant (also known as c.1883G>A), located in coding exon 11 of the MYLK gene, results from a G to A substitution at nucleotide position 1883. The glycine at codon 628 is replaced by aspartic acid, an amino acid with similar properties. This amino acid position is conserved. In addition, the in silico prediction for this alteration is inconclusive. Based on the available evidence, the clinical significance of this variant remains unclear.